The following is an entry in ClinVar:

NM_201253.3(CRB1):c.2713C>T (p.Arg905Trp)

Gene: CRB1 (crumbs cell polarity complex component 1; plus strand). Cytogenetic location: 1q31.3.
Variant type: single nucleotide variant.
Coding change: c.2713C>T on transcript NM_201253.3 (MANE Select); coding-DNA position 2713, C replaced by T.
Protein change: p.Arg905Trp; replaces arginine 905 with tryptophan.
Molecular consequence: missense variant. On other transcripts: non-coding transcript variant (2), intron variant (1).
Genome position (GRCh38, 1-based): chr1:197,429,485, C>T. VCF-style: chr1-197429485-C-T. GRCh37 (hg19) VCF-style: chr1-197398615-C-T.
Other names: c.2377C>T, p.Arg793Trp (NM_001193640.2); c.2641C>T, p.Arg881Trp (NM_001257965.2); c.2129-6115C>T (NM_001257966.2); short protein forms R793W, R881W, R905W.
Identifiers: ClinVar variation 952895 (VCV000952895.7), dbSNP rs749366098, ClinGen allele CA1312194.
Genomic context (GRCh38, chr1:197,429,485, plus strand): 5'-ACCTTTGATTTCTTTTCTGCTCAGTCCAACCCCTGTCACAATGGAGGTGTTTGCCATTCC[C>T]GGTGGGATGACTTCTCCTGTTCCTGTCCTGCCCTCACAAGTGGGAAAGCCTGTGAGGAGG-3'
Protein context (NP_957705.1, residues 895-915): PCHNGGVCHS[Arg905Trp]WDDFSCSCPA

ClinVar aggregate classification (germline): Uncertain significance. Review status: criteria provided, multiple submitters, no conflicts (2 of 4 stars). 8 submissions from 6 submitters: Uncertain significance (7). 1 of the submissions does not count toward it. Last evaluated 2025-10-01.

Conditions:
Retinitis pigmentosa 12 (RP12). Also called: RP WITH OR WITHOUT PRESERVED PARAARTERIOLE RETINAL PIGMENT EPITHELIUM; RETINITIS PIGMENTOSA WITH OR WITHOUT PARAARTERIOLAR PRESERVATION OF RETINAL PIGMENT EPITHELIUM; RP WITH OR WITHOUT PPRPE. Identifiers: Orphanet 791, MedGen C1838647, MONDO:0010818, OMIM 600105.
Leber congenital amaurosis 8 (LCA8). Identifiers: Orphanet 65, MedGen C3151202, MONDO:0013453, OMIM 613835.
Pigmented paravenous retinochoroidal atrophy. Identifiers: Orphanet 251295, MedGen C1868310, MONDO:0008246, OMIM 172870.
CRB1-related disorder. Also called: CRB1-related condition; CRB1-related disorders.
Leber congenital amaurosis (LCA). Also called: Leber's amaurosis. Identifiers: Orphanet 65, MedGen C0339527, MeSH D057130, MONDO:0018998.
Inborn genetic diseases. Identifiers: MedGen C0950123, MeSH D030342.

Allele frequency attached by ClinVar (database versions not stated): ExAC 0.00001; gnomAD 0.00001; TOPMed 0.00002; gnomAD exomes 0.00003.
gnomAD v4.1: 46 of 1,613,830 alleles (0.0029%); highest among the groups gnomAD compares: Non-Finnish European, 0.0036%; no homozygotes.

Submissions (8):

PreventionGenetics, part of Exact Sciences
Classification: Uncertain significance for CRB1-related condition. Last evaluated: 2025-10-01. Review status: criteria provided, single submitter. Criteria: ACMG Guidelines, 2015. Collection method: clinical testing. Allele origin: germline.
Comment: The CRB1 c.2713C>T variant is predicted to result in the amino acid substitution p.Arg905Trp. To our knowledge, this variant has not been reported in the literature or in a large population database (gnomAD), indicating this variant is rare. Another missense variant affecting the same amino acid position, c.2714G>A, p.(Arg905Gln), has been reported in individuals with Leber congenital amaurosis (LCA) or retinitis pigmentosa (Wang et al. 2015. PubMed ID: 26047050; Zhu et al. 2021. PubMed ID: 33970760; Table S4, Liu. 2020. PubMed ID: 33090715). At this time, the clinical significance of this p.(Arg905Trp) variant is uncertain due to the absence of conclusive functional and genetic evidence.

Genome-Nilou Lab
Classification: Uncertain significance for Leber congenital amaurosis 8. Last evaluated: 2023-04-11. Review status: criteria provided, single submitter. Criteria: ACMG Guidelines, 2015. Collection method: clinical testing. Allele origin: germline. Affected: no.

Genome-Nilou Lab
Classification: Uncertain significance for Pigmented paravenous retinochoroidal atrophy. Last evaluated: 2023-04-11. Review status: criteria provided, single submitter. Criteria: ACMG Guidelines, 2015. Collection method: clinical testing. Allele origin: germline. Affected: no.

Genome-Nilou Lab
Classification: Uncertain significance for Retinitis pigmentosa 12. Last evaluated: 2023-04-11. Review status: criteria provided, single submitter. Criteria: ACMG Guidelines, 2015. Collection method: clinical testing. Allele origin: germline. Affected: no.

Labcorp Genetics (formerly Invitae), Labcorp
Classification: Uncertain significance for Leber congenital amaurosis 8; Retinitis pigmentosa 12. Last evaluated: 2022-10-13. Review status: criteria provided, single submitter. Criteria: Invitae Variant Classification Sherloc (09022015). Collection method: clinical testing. Allele origin: germline.
Comment: This sequence change replaces arginine, which is basic and polar, with tryptophan, which is neutral and slightly polar, at codon 905 of the CRB1 protein (p.Arg905Trp). This variant is not present in population databases (gnomAD no frequency). This variant has not been reported in the literature in individuals affected with CRB1-related conditions. ClinVar contains an entry for this variant (Variation ID: 952895). Algorithms developed to predict the effect of missense changes on protein structure and function (SIFT, PolyPhen-2, Align-GVGD) all suggest that this variant is likely to be tolerated. In summary, the available evidence is currently insufficient to determine the role of this variant in disease. Therefore, it has been classified as a Variant of Uncertain Significance.

Ambry Genetics
Classification: Uncertain significance for Inborn genetic diseases. Last evaluated: 2022-04-27. Review status: criteria provided, single submitter. Criteria: Ambry Variant Classification Scheme 2023. Collection method: clinical testing. Allele origin: germline.

Blueprint Genetics
Classification: Uncertain significance. Last evaluated: 2021-11-24. Review status: criteria provided, single submitter. Criteria: ACMG Guidelines, 2015. Collection method: clinical testing. Allele origin: germline.

Natera, Inc.
Classification: Uncertain significance for Leber congenital amaurosis. Last evaluated: 2020-04-29. Review status: no assertion criteria provided. Collection method: clinical testing. Allele origin: germline. Not counted in ClinVar's aggregate classification.